The following is an entry in ClinVar:

ClinVar aggregate classification (germline): Uncertain significance. Review status: criteria provided, multiple submitters, no conflicts (2 of 4 stars). 2 submissions from 2 submitters: Uncertain significance (2). Last evaluated 2025-10-17.

Conditions:
Inborn genetic diseases. Identifiers: MedGen C0950123, MeSH D030342.
Severe combined immunodeficiency, autosomal recessive, T cell-negative, B cell-negative, NK cell-negative, due to adenosine deaminase deficiency. Also called: SCID DUE TO ADA DEFICIENCY; SCID DUE TO ADA DEFICIENCY, EARLY-ONSET; ADA deficiency; ADA-SCID; Adenosine deaminase deficient severe combined immunodeficiency; Severe combined immunodeficiency due to ADA deficiency. Identifiers: Orphanet 277, MedGen C0392607, MONDO:0007064, OMIM 102700.

Allele frequency attached by ClinVar (database versions not stated): gnomAD exomes below 0.00001; TOPMed 0.00002.
gnomAD v4.1: 3 of 1,614,222 alleles (0.00019%); highest among the groups gnomAD compares: Non-Finnish European, 0.000085%; no homozygotes.

Submissions (2):

Ambry Genetics
Classification: Uncertain significance for Inborn genetic diseases. Last evaluated: 2025-10-17. Review status: criteria provided, single submitter. Criteria: Ambry Variant Classification Scheme 2023. Collection method: clinical testing. Allele origin: germline.

Labcorp Genetics (formerly Invitae), Labcorp
Classification: Uncertain significance for Severe combined immunodeficiency, autosomal recessive, T cell-negative, B cell-negative, NK cell-negative, due to adenosine deaminase deficiency. Last evaluated: 2022-08-09. Review status: criteria provided, single submitter. Criteria: Invitae Variant Classification Sherloc (09022015). Collection method: clinical testing. Allele origin: germline.
Comment: This sequence change replaces glutamic acid, which is acidic and polar, with glycine, which is neutral and non-polar, at codon 234 of the ADA protein (p.Glu234Gly). This variant is not present in population databases (gnomAD no frequency). This variant has not been reported in the literature in individuals affected with ADA-related conditions. Advanced modeling of protein sequence and biophysical properties (such as structural, functional, and spatial information, amino acid conservation, physicochemical variation, residue mobility, and thermodynamic stability) performed at Invitae indicates that this missense variant is expected to disrupt ADA protein function. In summary, the available evidence is currently insufficient to determine the role of this variant in disease. Therefore, it has been classified as a Variant of Uncertain Significance.

NM_000022.4(ADA):c.701A>G (p.Glu234Gly)

Gene: ADA (adenosine deaminase; minus strand). Cytogenetic location: 20q13.12.
Variant type: single nucleotide variant.
Coding change: c.701A>G on transcript NM_000022.4 (MANE Select); coding-DNA position 701, A replaced by G.
Protein change: p.Glu234Gly; replaces glutamic acid 234 with glycine.
Molecular consequence: missense variant. On other transcripts: non-coding transcript variant (1).
Genome position (GRCh38, 1-based): chr20:44,622,908, T>C on the plus strand (A>G on the coding strand, the complement: ADA is on the minus strand). VCF-style: chr20-44622908-T-C. GRCh37 (hg19) VCF-style: chr20-43251549-T-C.
Other names: c.296A>G, p.Glu99Gly (NM_001322050.2); c.629A>G, p.Glu210Gly (NM_001322051.2); short protein forms E210G, E99G, E234G.
Identifiers: ClinVar variation 2173601 (VCV002173601.2), dbSNP rs2065346485, ClinGen allele CA409120312.